The following is an entry in ClinVar:

ClinVar aggregate classification (germline): Uncertain significance. Review status: criteria provided, multiple submitters, no conflicts (2 of 4 stars). 2 submissions from 2 submitters: Uncertain significance (2). Last evaluated 2025-11-12.

Conditions:
SCAPER-related disorder. Also called: SCAPER-related condition.

gnomAD v4.1: 2 of 1,601,504 alleles (0.00012%); highest among the groups gnomAD compares: South Asian, 0.0023%; no homozygotes.

Submissions (2):

PreventionGenetics, part of Exact Sciences
Classification: Uncertain significance for SCAPER-related condition. Last evaluated: 2025-11-12. Review status: criteria provided, single submitter. Criteria: ACMG Guidelines, 2015. Collection method: clinical testing. Allele origin: germline.
Comment: The SCAPER c.3879C>G variant is predicted to result in the amino acid substitution p.Ile1293Met. To our knowledge, this variant has not been reported in the literature. This variant is reported in 0.0036% of alleles in individuals of South Asian descent in gnomAD. At this time, the clinical significance of this variant is uncertain due to the absence of conclusive functional and genetic evidence.

Blueprint Genetics
Classification: Uncertain significance. Last evaluated: 2023-04-21. Review status: criteria provided, single submitter. Criteria: ACMG Guidelines, 2015. Collection method: clinical testing. Allele origin: germline.

NM_020843.4(SCAPER):c.3861C>G (p.Ile1287Met)

Gene: SCAPER (S-phase cyclin A associated protein in the ER; minus strand). Cytogenetic location: 15q24.3.
Variant type: single nucleotide variant.
Coding change: c.3861C>G on transcript NM_020843.4 (MANE Select); coding-DNA position 3861, C replaced by G.
Protein change: p.Ile1287Met; replaces isoleucine 1287 with methionine.
Molecular consequence: missense variant. On other transcripts: non-coding transcript variant (1).
Genome position (GRCh38, 1-based): chr15:76,354,135, G>C on the plus strand (C>G on the coding strand, the complement: SCAPER is on the minus strand). VCF-style: chr15-76354135-G-C. GRCh37 (hg19) VCF-style: chr15-76646476-G-C.
Other names: c.3879C>G (NM_001353009.1); c.3123C>G, p.Ile1041Met (NM_001145923.2); c.3879C>G, p.Ile1293Met (NM_001353009.2); c.3459C>G, p.Ile1153Met (NM_001353010.2, NM_001353012.2); c.3477C>G, p.Ile1159Met (NM_001353011.2); short protein forms I1041M, I1153M, I1159M, I1293M, I1287M.
Identifiers: ClinVar variation 4925922 (VCV004925922.2).